The following is an entry in ClinVar:

ClinVar aggregate classification (germline): Uncertain significance (1 of 4 stars; one submission).

Conditions:
Hereditary pheochromocytoma and paraganglioma. Also called: Hereditary Paraganglioma-Pheochromocytoma Syndromes; Hereditary pheochromocytoma-paraganglioma; Hereditary paragangliomas and pheochromocytomas. Identifiers: Orphanet 29072, MedGen C4274332, MONDO:0017366.

Submission:

All of Us Research Program, National Institutes of Health
Classification: Uncertain significance for Hereditary pheochromocytoma and paraganglioma. Last evaluated: 2024-08-13. Review status: criteria provided, single submitter. Criteria: ACMG Guidelines, 2015. Collection method: clinical testing. Allele origin: germline. Inheritance: Autosomal dominant inheritance. Observed: 1 variant allele, 1 heterozygote.
Comment: This missense variant replaces histidine with leucine at codon 55 of the SDHC protein. Computational prediction suggests that this variant may have deleterious impact on protein structure and function (internally defined REVEL score threshold >= 0.7, PMID: 27666373). To our knowledge, functional studies have not been reported for this variant. This variant has not been reported in individuals affected with SDHC-related disorders in the literature. This variant has been identified in 1/251470 chromosomes in the general population by the Genome Aggregation Database (gnomAD). The available evidence is insufficient to determine the role of this variant in disease conclusively. Therefore, this variant is classified as a Variant of Uncertain Significance.

This study involves interpretation of variants in research participants for the purpose of population health screening. Participant phenotype was not available at the time of variant classification. Additional details can be found in publication PMID: 35346344, PMCID: PMC8962531

NM_003001.5(SDHC):c.164A>T (p.His55Leu)

Gene: SDHC (succinate dehydrogenase complex subunit C; plus strand). Cytogenetic location: 1q23.3.
Variant type: single nucleotide variant.
Coding change: c.164A>T on transcript NM_003001.5 (MANE Select); coding-DNA position 164, A replaced by T.
Protein change: p.His55Leu; replaces histidine 55 with leucine.
Molecular consequence: missense variant. On other transcripts: non-coding transcript variant (1), intron variant (4).
Genome position (GRCh38, 1-based): chr1:161,328,482, A>T. VCF-style: chr1-161328482-A-T. GRCh37 (hg19) VCF-style: chr1-161298272-A-T.
Other names: c.164A>T, p.His55Leu (NM_001035511.3, NM_001407115.1); c.107A>T, p.His36Leu (NM_001407116.1, NM_001407117.1, NM_001407121.1); c.53A>T, p.His18Leu (NM_001407119.1, NM_001407120.1); c.77+4812A>T (NM_001035512.3, NM_001278172.3, NM_001407118.1); c.21-12112A>T (NM_001035513.3); short protein forms H18L, H36L, H55L.
Identifiers: ClinVar variation 3385992 (VCV003385992.1).